The following is an entry in ClinVar:

NM_133497.4(KCNV2):c.230A>C (p.Gln77Pro)

Gene: KCNV2 (potassium voltage-gated channel modifier subfamily V member 2; plus strand). Cytogenetic location: 9p24.2.
Variant type: single nucleotide variant.
Coding change: c.230A>C on transcript NM_133497.4 (MANE Select); coding-DNA position 230, A replaced by C.
Protein change: p.Gln77Pro; replaces glutamine 77 with proline.
Molecular consequence: missense variant.
Genome position (GRCh38, 1-based): chr9:2,717,969, A>C. VCF-style: chr9-2717969-A-C. GRCh37 (hg19) VCF-style: chr9-2717969-A-C.
Other names: short protein forms Q77P.
Identifiers: ClinVar variation 2116860 (VCV002116860.4), dbSNP rs755584472, ClinGen allele CA4965376.
Genomic context (GRCh38, chr9:2,717,969, plus strand): 5'-AAGACGAAGACGGCGAGGAGGAGGACCAGTGGAAGGACGACCTGGCAGAAGAGGACCAGC[A>C]GGCAGGGGAGGTCACCACCGCCAAGCCCGAGGGCCCCAGCGACCCTCCGGCCCTGCTGTC-3'
Protein context (NP_598004.1, residues 67-87): WKDDLAEEDQ[Gln77Pro]AGEVTTAKPE

ClinVar aggregate classification (germline): Uncertain significance (1 of 4 stars; one submission).

Allele frequency attached by ClinVar (database versions not stated): gnomAD 0.00001; gnomAD exomes 0.00002; ExAC 0.00003.
gnomAD v4.1: 25 of 1,614,028 alleles (0.0015%); highest among the groups gnomAD compares: South Asian, 0.027%; no homozygotes.

Submission:

Labcorp Genetics (formerly Invitae), Labcorp
Classification: Uncertain significance. Last evaluated: 2022-06-03. Review status: criteria provided, single submitter. Criteria: Invitae Variant Classification Sherloc (09022015). Collection method: clinical testing. Allele origin: germline.
Comment: This sequence change replaces glutamine, which is neutral and polar, with proline, which is neutral and non-polar, at codon 77 of the KCNV2 protein (p.Gln77Pro). This variant is present in population databases (rs755584472, gnomAD 0.03%). In summary, the available evidence is currently insufficient to determine the role of this variant in disease. Therefore, it has been classified as a Variant of Uncertain Significance. Advanced modeling of protein sequence and biophysical properties (such as structural, functional, and spatial information, amino acid conservation, physicochemical variation, residue mobility, and thermodynamic stability) performed at Invitae indicates that this missense variant is not expected to disrupt KCNV2 protein function. This variant has not been reported in the literature in individuals affected with KCNV2-related conditions.